The following is an entry in ClinVar:

ClinVar aggregate classification (germline): Uncertain significance. Review status: criteria provided, single submitter (1 of 4 stars). 2 submissions from 2 submitters: Uncertain significance (1). 1 of the submissions does not count toward it. Last evaluated 2022-07-30.

Conditions:
Neuronal ceroid lipofuscinosis 8 (CLN8). Also called: CLN8-Related Neuronal Ceroid-Lipofuscinosis. Identifiers: Orphanet 168491, Orphanet 228354, Orphanet 79264, MedGen C1838570, MONDO:0010830, OMIM 600143.
Neuronal ceroid lipofuscinosis. Also called: Neuronal Ceroid Lipofuscinoses. Identifiers: Orphanet 216, Orphanet 79263, MedGen C0027877, MONDO:0016295. Disease mechanism: loss of function.

Allele frequency attached by ClinVar (database versions not stated): gnomAD 0.00002; gnomAD exomes 0.00002.
gnomAD v4.1: 35 of 1,614,080 alleles (0.0022%); highest among the groups gnomAD compares: Middle Eastern, 0.033%; no homozygotes.

Submissions (2):

Labcorp Genetics (formerly Invitae), Labcorp
Classification: Uncertain significance for Neuronal ceroid lipofuscinosis. Last evaluated: 2022-07-30. Review status: criteria provided, single submitter. Criteria: Invitae Variant Classification Sherloc (09022015). Collection method: clinical testing. Allele origin: germline.
Comment: This sequence change replaces arginine, which is basic and polar, with cysteine, which is neutral and slightly polar, at codon 97 of the CLN8 protein (p.Arg97Cys). This variant is present in population databases (no rsID available, gnomAD 0.009%). This variant has not been reported in the literature in individuals affected with CLN8-related conditions. ClinVar contains an entry for this variant (Variation ID: 943050). Advanced modeling of protein sequence and biophysical properties (such as structural, functional, and spatial information, amino acid conservation, physicochemical variation, residue mobility, and thermodynamic stability) performed at Invitae indicates that this missense variant is not expected to disrupt CLN8 protein function. In summary, the available evidence is currently insufficient to determine the role of this variant in disease. Therefore, it has been classified as a Variant of Uncertain Significance.

Natera, Inc.
Classification: Uncertain significance for Neuronal ceroid lipofuscinosis 8. Last evaluated: 2021-08-03. Review status: no assertion criteria provided. Collection method: clinical testing. Allele origin: germline. Not counted in ClinVar's aggregate classification.

NM_018941.4(CLN8):c.289C>T (p.Arg97Cys)

Gene: CLN8 (CLN8 transmembrane ER and ERGIC protein; plus strand). Cytogenetic location: 8p23.3.
Variant type: single nucleotide variant.
Coding change: c.289C>T on transcript NM_018941.4 (MANE Select); coding-DNA position 289, C replaced by T.
Protein change: p.Arg97Cys; replaces arginine 97 with cysteine.
Molecular consequence: missense variant.
Genome position (GRCh38, 1-based): chr8:1,771,343, C>T. VCF-style: chr8-1771343-C-T. GRCh37 (hg19) VCF-style: chr8-1719509-C-T.
Other names: short protein forms R97C.
Identifiers: ClinVar variation 943050 (VCV000943050.4), dbSNP rs1285178214, ClinGen allele CA369953247.